The following is an entry in ClinVar:

ClinVar aggregate classification (germline): Uncertain significance (1 of 4 stars; one submission).

Allele frequency attached by ClinVar (database versions not stated): TOPMed below 0.00001; ExAC 0.00002; gnomAD 0.00001; gnomAD exomes 0.00001.
gnomAD v4.1: 9 of 1,613,970 alleles (0.00056%); highest among the groups gnomAD compares: African/African-American, 0.0093%; no homozygotes.

Submission:

Labcorp Genetics (formerly Invitae), Labcorp
Classification: Uncertain significance. Last evaluated: 2024-10-23. Review status: criteria provided, single submitter. Criteria: Invitae Variant Classification Sherloc (09022015). Collection method: clinical testing. Allele origin: germline.
Comment: This sequence change replaces threonine, which is neutral and polar, with alanine, which is neutral and non-polar, at codon 1246 of the LAMC3 protein (p.Thr1246Ala). This variant is present in population databases (rs781009795, gnomAD 0.02%). This variant has not been reported in the literature in individuals affected with LAMC3-related conditions. ClinVar contains an entry for this variant (Variation ID: 1964105). An algorithm developed to predict the effect of missense changes on protein structure and function outputs the following: PolyPhen-2: "Benign". The alanine amino acid residue is found in multiple mammalian species, which suggests that this missense change does not adversely affect protein function. In summary, the available evidence is currently insufficient to determine the role of this variant in disease. Therefore, it has been classified as a Variant of Uncertain Significance.

NM_006059.4(LAMC3):c.3736A>G (p.Thr1246Ala)

Gene: LAMC3 (laminin subunit gamma 3; plus strand). Cytogenetic location: 9q34.12.
Variant type: single nucleotide variant.
Coding change: c.3736A>G on transcript NM_006059.4 (MANE Select); coding-DNA position 3736, A replaced by G.
Protein change: p.Thr1246Ala; replaces threonine 1246 with alanine.
Molecular consequence: missense variant.
Genome position (GRCh38, 1-based): chr9:131,077,293, A>G. VCF-style: chr9-131077293-A-G. GRCh37 (hg19) VCF-style: chr9-133952680-A-G.
Other names: short protein forms T1246A.
Identifiers: ClinVar variation 1964105 (VCV001964105.3), dbSNP rs781009795, ClinGen allele CA5287916.